The following is an entry in ClinVar:

NM_001039141.3(TRIOBP):c.6324+9G>A

Gene: TRIOBP (TRIO and F-actin binding protein; plus strand). Cytogenetic location: 22q13.1.
Variant type: single nucleotide variant.
Coding change: c.6324+9G>A on transcript NM_001039141.3 (MANE Select); 9 bases into the intron after coding-DNA position 6324, G replaced by A.
Molecular consequence: intron variant.
Genome position (GRCh38, 1-based): chr22:37,759,273, G>A. VCF-style: chr22-37759273-G-A. GRCh37 (hg19) VCF-style: chr22-38155280-G-A.
Other names: c.1185+9G>A (NM_007032.5, NM_138632.2).
Identifiers: ClinVar variation 165605 (VCV000165605.7), dbSNP rs376601715, ClinGen allele CA178351.

ClinVar aggregate classification (germline): Likely benign. Review status: criteria provided, multiple submitters, no conflicts (2 of 4 stars). 2 submissions from 2 submitters: Likely benign (2). Last evaluated 2024-09-24.

Allele frequency attached by ClinVar (database versions not stated): ExAC 0.00005; ESP Exome Variant Server 0.00015; 1000 Genomes Project 30x 0.00016; 1000 Genomes Project 0.00020; TOPMed 0.00023.
gnomAD v4.1: 395 of 1,609,908 alleles (0.025%); highest among the groups gnomAD compares: Non-Finnish European, 0.031%; no homozygotes.

Submissions (2):

Labcorp Genetics (formerly Invitae), Labcorp
Classification: Likely benign. Last evaluated: 2024-09-24. Review status: criteria provided, single submitter. Criteria: Invitae Variant Classification Sherloc (09022015). Collection method: clinical testing. Allele origin: germline.

Laboratory for Molecular Medicine, Mass General Brigham Personalized Medicine
Classification: Likely benign. Last evaluated: 2013-05-09. Review status: criteria provided, single submitter. Criteria: LMM Criteria. Collection method: clinical testing. Allele origin: germline. Observed: 1 variant allele.
Comment: 6324+9G>A in intron 17 of TRIOBP: This variant is not expected to have clinical significance because it is not located within the splice consensus sequence and it has been identified in 0.01% (1/8582) of European American chromosomes and 0. 02% (1/4388) of African American chromosomes by the NHLBI Exome Sequencing Proje ct